The following is an entry in ClinVar:

ClinVar aggregate classification (germline): Uncertain significance. Review status: criteria provided, multiple submitters, no conflicts (2 of 4 stars). 3 submissions from 3 submitters: Uncertain significance (3). Last evaluated 2024-11-25.

Allele frequency attached by ClinVar (database versions not stated): ExAC 0.00005; gnomAD 0.00005; TOPMed 0.00007; gnomAD exomes 0.00008 and 0.00022.
gnomAD v4.1: 324 of 1,613,988 alleles (0.02%); highest among the groups gnomAD compares: Non-Finnish European, 0.027%; 1 homozygote.

Submissions (3):

Blueprint Genetics
Classification: Uncertain significance. Last evaluated: 2024-11-25. Review status: criteria provided, single submitter. Criteria: ACMG Guidelines, 2015. Collection method: clinical testing. Allele origin: germline.

Ambry Genetics
Classification: Uncertain significance. Last evaluated: 2024-10-21. Review status: criteria provided, single submitter. Criteria: Ambry Variant Classification Scheme 2023. Collection method: clinical testing. Allele origin: germline.

Labcorp Genetics (formerly Invitae), Labcorp
Classification: Uncertain significance. Last evaluated: 2023-07-17. Review status: criteria provided, single submitter. Criteria: Invitae Variant Classification Sherloc (09022015). Collection method: clinical testing. Allele origin: germline.
Comment: The frequency data for this variant in the population databases is considered unreliable, as metrics indicate poor data quality at this position in the gnomAD database. This sequence change replaces arginine, which is basic and polar, with tryptophan, which is neutral and slightly polar, at codon 595 of the CEP250 protein (p.Arg595Trp). This variant has not been reported in the literature in individuals affected with CEP250-related conditions. In summary, the available evidence is currently insufficient to determine the role of this variant in disease. Therefore, it has been classified as a Variant of Uncertain Significance. An algorithm developed to predict the effect of missense changes on protein structure and function (PolyPhen-2) suggests that this variant is likely to be disruptive. ClinVar contains an entry for this variant (Variation ID: 1053295).

NM_007186.6(CEP250):c.1783C>T (p.Arg595Trp)

Genes: CEP250 (centrosomal protein 250; plus strand), CEP250-AS1 (CEP250 antisense RNA 1; minus strand). Cytogenetic location: 20q11.22.
Variant type: single nucleotide variant.
Coding change: c.1783C>T on transcript NM_007186.6 (MANE Select); coding-DNA position 1783, C replaced by T.
Protein change: p.Arg595Trp; replaces arginine 595 with tryptophan.
Molecular consequence: missense variant. On other transcripts: 5 prime UTR variant (1).
Genome position (GRCh38, 1-based): chr20:35,476,515, C>T. VCF-style: chr20-35476515-C-T. GRCh37 (hg19) VCF-style: chr20-34064340-C-T.
Other names: c.-117C>T (NM_001318219.1); c.1783C>T (NM_007186.3); short protein forms R595W.
Identifiers: ClinVar variation 1053295 (VCV001053295.8), dbSNP rs201227843, ClinGen allele CA9833030.